The following is an entry in ClinVar:

ClinVar aggregate classification (germline): Conflicting classifications of pathogenicity. Review status: criteria provided, conflicting classifications (1 of 4 stars). 9 submissions from 8 submitters: Uncertain significance (5); Likely benign (4). Last evaluated 2026-08-01.

Conditions:
Connective tissue disorder. Also called: Connective tissue disease. Identifiers: MedGen C0009782, MONDO:0003900.
Fibrochondrogenesis 1 (FBCG1). Identifiers: Orphanet 2021, MedGen C3278138, MONDO:0009226, OMIM 228520.
Stickler syndrome type 2 (STL2). Also called: STICKLER SYNDROME, TYPE II; STICKLER SYNDROME, BEADED VITREOUS TYPE; STICKLER SYNDROME, VITREOUS TYPE 2; COL11A1-Related Stickler Syndrome. Identifiers: Orphanet 828, Orphanet 90654, MedGen C1858084, MONDO:0011493, OMIM 604841.

Allele frequency attached by ClinVar (database versions not stated): 1000 Genomes Project 30x 0.00031; 1000 Genomes Project 0.00040; TOPMed 0.00047; gnomAD 0.00061; ExAC 0.00069; gnomAD exomes 0.00076 and 0.00117; ESP Exome Variant Server 0.00077.
gnomAD v4.1: 1,799 of 1,613,020 alleles (0.11%); highest among the groups gnomAD compares: Non-Finnish European, 0.13%; 2 homozygotes.

Submissions (9):

CeGaT Center for Human Genetics Tuebingen
Classification: Likely benign. Last evaluated: 2026-08-01. Review status: criteria provided, single submitter. Criteria: CeGaT Center For Human Genetics Tuebingen Variant Classification Criteria Version 2. Collection method: clinical testing. Allele origin: germline. Affected: yes. Observed: 4 variant alleles.
Comment: COL11A1: BP4, BP7

GeneDx
Classification: Likely benign. Last evaluated: 2026-07-13. Review status: criteria provided, single submitter. Criteria: GeneDx Variant Classification Process June 2021. Collection method: clinical testing. Allele origin: germline.
Comment: See Variant Classification Assertion Criteria.

Labcorp Genetics (formerly Invitae), Labcorp
Classification: Uncertain significance. Last evaluated: 2026-01-21. Review status: criteria provided, single submitter. Criteria: Invitae Variant Classification Sherloc (09022015). Collection method: clinical testing. Allele origin: germline.
Comment: This sequence change affects codon 1344 of the COL11A1 mRNA. It is a 'silent' change, meaning that it does not change the encoded amino acid sequence of the COL11A1 protein. This variant also falls at the last nucleotide of exon 53, which is part of the consensus splice site for this exon. This variant is present in population databases (rs147637674, gnomAD 0.1%), and has an allele count higher than expected for a pathogenic variant. This variant has not been reported in the literature in individuals affected with COL11A1-related conditions. ClinVar contains an entry for this variant (Variation ID: 166922). Variants that disrupt the consensus splice site are a relatively common cause of aberrant splicing (PMID: 17576681, 9536098). Algorithms developed to predict the effect of sequence changes on RNA splicing suggest that this variant is not likely to affect RNA splicing. In summary, the available evidence is currently insufficient to determine the role of this variant in disease. Therefore, it has been classified as a Variant of Uncertain Significance.

Women's Health and Genetics/Laboratory Corporation of America, LabCorp
Classification: Uncertain significance. Last evaluated: 2025-11-26. Review status: criteria provided, single submitter. Criteria: LabCorp Variant Classification Summary - May 2015. Collection method: clinical testing. Allele origin: germline.
Comment: Variant summary: COL11A1 c.4032G>A (p.Pro1344Pro) alters a conserved nucleotide located close to a canonical splice site and therefore could affect mRNA splicing, leading to a significantly altered protein sequence. Several computational tools predict a significant impact on normal splicing: Three predict the variant weakens a 5' donor site. However, these predictions have yet to be confirmed by functional studies. The variant allele was found at a frequency of 0.00076 in 251342 control chromosomes in the gnomAD database, including 1 homozygotes. This frequency is not significantly higher than estimated for disease-causing variants in COL11A1, allowing no conclusion about variant significance. To our knowledge, no occurrence of c.4032G>A in individuals affected with COL11A1-related conditions and no experimental evidence demonstrating its impact on protein function have been reported. ClinVar contains an entry for this variant (Variation ID: 166922). Based on the evidence outlined above, the variant was classified as uncertain significance.

Blueprint Genetics
Classification: Likely benign. Last evaluated: 2024-11-23. Review status: criteria provided, single submitter. Criteria: ACMG Guidelines, 2015. Collection method: clinical testing. Allele origin: germline.

Center for Human Genetics, Inc
Classification: Likely benign for Connective tissue disorder. Last evaluated: 2018-06-01. Review status: criteria provided, single submitter. Criteria: ACMG Guidelines, 2015. Collection method: clinical testing. Allele origin: germline. Affected: yes.

Illumina Laboratory Services, Illumina
Classification: Uncertain significance for Fibrochondrogenesis 1. Last evaluated: 2018-01-12. Review status: criteria provided, single submitter. Criteria: ICSL Variant Classification Criteria 13 December 2019. Collection method: clinical testing. Allele origin: germline.

Illumina Laboratory Services, Illumina
Classification: Uncertain significance for Stickler syndrome type 2. Last evaluated: 2018-01-12. Review status: criteria provided, single submitter. Criteria: ICSL Variant Classification Criteria 13 December 2019. Collection method: clinical testing. Allele origin: germline.

Eurofins Ntd Llc (ga)
Classification: Uncertain significance. Last evaluated: 2014-05-02. Review status: criteria provided, single submitter. Criteria: EGL Classification Definitions 2015. Collection method: clinical testing. Allele origin: germline. Observed: 1 variant allele, 1 heterozygote.

Literature cited by the submitters: PubMed 17576681 (cited by Labcorp Genetics (formerly Invitae), Labcorp); PubMed 9536098 (cited by Labcorp Genetics (formerly Invitae), Labcorp).

NM_001854.4(COL11A1):c.4032G>A (p.Pro1344=)

Gene: COL11A1 (collagen type XI alpha 1 chain; minus strand). Cytogenetic location: 1p21.1.
Variant type: single nucleotide variant.
Coding change: c.4032G>A on transcript NM_001854.4 (MANE Select); coding-DNA position 4032, G replaced by A.
Protein change: p.Pro1344=; no amino-acid change (proline 1344 retained).
Molecular consequence: synonymous variant. On other transcripts: non-coding transcript variant (1).
Genome position (GRCh38, 1-based): chr1:102,913,637, C>T on the plus strand (G>A on the coding strand, the complement: COL11A1 is on the minus strand). VCF-style: chr1-102913637-C-T. GRCh37 (hg19) VCF-style: chr1-103379193-C-T.
Other names: c.3915G>A, p.Pro1305= (NM_001190709.2); c.4068G>A, p.Pro1356= (NM_080629.3); c.3684G>A, p.Pro1228= (NM_080630.4).
Identifiers: ClinVar variation 166922 (VCV000166922.43), dbSNP rs147637674, ClinGen allele CA233798.